The following is an entry in ClinVar:

ClinVar aggregate classification (germline): Uncertain significance (1 of 4 stars; one submission).

Conditions:
Progressive familial heart block type IB (PFHB1B). Identifiers: Orphanet 871, MedGen C1970298, MONDO:0011474, OMIM 604559.

Submission:

Labcorp Genetics (formerly Invitae), Labcorp
Classification: Uncertain significance for Progressive familial heart block type IB. Last evaluated: 2022-04-18. Review status: criteria provided, single submitter. Criteria: Invitae Variant Classification Sherloc (09022015). Collection method: clinical testing. Allele origin: germline.
Comment: This sequence change replaces arginine, which is basic and polar, with proline, which is neutral and non-polar, at codon 1094 of the TRPM4 protein (p.Arg1094Pro). Information on the frequency of this variant in the gnomAD database is not available, as this variant may be reported differently in the database. In summary, the available evidence is currently insufficient to determine the role of this variant in disease. Therefore, it has been classified as a Variant of Uncertain Significance. Algorithms developed to predict the effect of missense changes on protein structure and function are either unavailable or do not agree on the potential impact of this missense change (SIFT: "Not Available"; PolyPhen-2: "Benign"; Align-GVGD: "Not Available"). This variant has not been reported in the literature in individuals affected with TRPM4-related conditions.

NM_017636.4(TRPM4):c.3280_3281delinsCC (p.Arg1094Pro)

Gene: TRPM4 (transient receptor potential cation channel subfamily M member 4; plus strand). Cytogenetic location: 19q13.33.
Variant type: Indel.
Coding change: c.3280_3281delinsCC on transcript NM_017636.4 (MANE Select); coding-DNA positions 3280 to 3281, AG replaced by CC.
Protein change: p.Arg1094Pro; replaces arginine 1094 with proline.
Molecular consequence: missense variant.
Genome position (GRCh38, 1-based): chr19:49,210,357-49,210,358, AG replaced by CC. VCF-style: chr19-49210357-AG-CC. GRCh37 (hg19) VCF-style: chr19-49713614-AG-CC.
Other names: c.2845_2846delinsCC, p.Arg949Pro (NM_001195227.2); c.2935_2936delinsCC, p.Arg979Pro (NM_001321281.2); c.1672_1673delinsCC, p.Arg558Pro (NM_001321282.2); c.2758_2759delinsCC, p.Arg920Pro (NM_001321283.2); c.2218_2219delinsCC, p.Arg740Pro (NM_001321285.2); short protein forms R920P, R949P, R558P, R740P, R1094P, R979P.
Identifiers: ClinVar variation 2127572 (VCV002127572.4), dbSNP rs2514239175, ClinGen allele CA2580097530.
Genomic context (GRCh38, chr19:49,210,357, plus strand): 5'-GCGCTGGCCCCGCCCTTTATCGTCATCTCCCACTTGCGCCTCCTGCTCAGGCAATTGTGC[AG>CC]GCGACCCCGGAGCCCCCAGCCGTCCTCCCCGGCCCTCGAGCATTTCCGTAAGAACAGAGC-3'
Protein context (NP_060106.2, residues 1084-1104): HLRLLLRQLC[Arg1094Pro]RPRSPQPSSP